The following is an entry in ClinVar:

ClinVar aggregate classification (germline): Conflicting classifications of pathogenicity. Review status: criteria provided, conflicting classifications (1 of 4 stars). 6 submissions from 6 submitters: Uncertain significance (5); Likely benign (1). Last evaluated 2026-02-02.

Conditions:
Hereditary cancer-predisposing syndrome. Also called: Tumor predisposition; Hereditary Cancer Syndrome; Hereditary neoplastic syndrome; Neoplastic Syndromes, Hereditary. Identifiers: Orphanet 140162, MedGen C0027672, MeSH D009386, MONDO:0015356.
Familial cancer of breast. Also called: BREAST CANCER, FAMILIAL; Hereditary breast cancer; hereditary breast carcinoma. Identifiers: Orphanet 227535, MedGen C0346153, MONDO:0016419, OMIM 114480. Disease mechanism: loss of function.

Allele frequency attached by ClinVar (database versions not stated): gnomAD exomes below 0.00001; TOPMed below 0.00001; ExAC 0.00001.

Submissions (6):

Labcorp Genetics (formerly Invitae), Labcorp
Classification: Uncertain significance for Familial cancer of breast. Last evaluated: 2026-02-02. Review status: criteria provided, single submitter. Criteria: Invitae Variant Classification Sherloc (09022015). Collection method: clinical testing. Allele origin: germline.
Comment: This sequence change replaces serine, which is neutral and polar, with glycine, which is neutral and non-polar, at codon 133 of the PALB2 protein (p.Ser133Gly). This variant is present in population databases (rs730881881, gnomAD 0.0009%). This variant has not been reported in the literature in individuals affected with PALB2-related conditions. ClinVar contains an entry for this variant (Variation ID: 182759). An algorithm developed to predict the effect of missense changes on protein structure and function (PolyPhen-2) suggests that this variant is likely to be tolerated. In summary, the available evidence is currently insufficient to determine the role of this variant in disease. Therefore, it has been classified as a Variant of Uncertain Significance.

Ambry Genetics
Classification: Likely benign for Hereditary cancer-predisposing syndrome. Last evaluated: 2024-03-27. Review status: criteria provided, single submitter. Criteria: Ambry Variant Classification Scheme 2023. Collection method: clinical testing. Allele origin: germline.

Color Diagnostics, LLC DBA Color Health
Classification: Uncertain significance for Hereditary cancer-predisposing syndrome. Last evaluated: 2023-07-17. Review status: criteria provided, single submitter. Criteria: ACMG Guidelines, 2015. Collection method: clinical testing. Allele origin: germline.
Comment: This missense variant replaces serine with glycine at codon 133 of the PALB2 protein. Computational prediction suggests that this variant may not impact protein structure and function (internally defined REVEL score threshold <= 0.5, PMID: 27666373). To our knowledge, functional studies have not been reported for this variant. This variant has not been reported in individuals affected with PALB2-related disorders in the literature. This variant has been identified in 1/250812 chromosomes in the general population by the Genome Aggregation Database (gnomAD). The available evidence is insufficient to determine the role of this variant in disease conclusively. Therefore, this variant is classified as a Variant of Uncertain Significance.

Pittsburgh Clinical Genomics Laboratory, University of Pittsburgh Medical Center
Classification: Uncertain significance for Hereditary cancer-predisposing syndrome. Last evaluated: 2018-08-31. Review status: criteria provided, single submitter. Criteria: ACMG Guidelines, 2015. Collection method: clinical testing. Allele origin: germline. Affected: yes. Observed: 1 variant allele.
Comment: This sequence variant is a single nucleotide substitution (A>G) that results in a serine to glycine amino acid change at residue 133 in the PALB2 protein. This is a previously reported, rare variant present at a frequency of 0.004% in the gnomAD population database (1/245640 alleles). This variant has not, to our knowledge, been reported in the literature in any context. This amino acid residue lies in a region involved in interaction with RAD51 protein, oligomerization, and focal concentration at DNA damage sites (Uniprot); however, there are benign missense variants located in this region, and multiple computational tools queried predict that this amino acid change will have a neutral effect on protein function. These predictions and the effects of this variant on protein function have not been assessed experimentally, to our knowledge. This site is poorly conserved among vertebrates. Based upon the available evidence, we cannot at this time make a clear assessment if this variant is benign or pathogenic; it is a variant of uncertain significance.

Women's Health and Genetics/Laboratory Corporation of America, LabCorp
Classification: Uncertain significance. Last evaluated: 2017-04-20. Review status: criteria provided, single submitter. Criteria: LabCorp Variant Classification Summary - May 2015. Collection method: clinical testing. Allele origin: germline.
Comment: Variant summary: The PALB2 c.397A>G (p.Ser133Gly) variant involves the alteration of a non-conserved nucleotide and 4/5 in silico tools predict a benign outcome for this variant. However, these predictions have yet to be functionally assessed. This variant was found in 1/121372 control chromosomes at a frequency of 0.0000082, which does not exceed the estimated maximal expected allele frequency of a pathogenic PALB2 variant (0.0001563). In addition, multiple clinical diagnostic laboratories classified this variant as uncertain significance. The variant of interest has not, to our knowledge, been reported in affected individuals via publications. Because of the absence of clinical information and the lack of functional studies, the variant is classified as a "Variant of Uncertain Significance (VUS)," until additional information becomes available.

GeneDx
Classification: Uncertain significance. Last evaluated: 2014-10-09. Review status: criteria provided, single submitter. Criteria: GeneDx Variant Classification (06012015). Collection method: clinical testing. Allele origin: germline. Affected: yes.
Comment: This variant is denoted PALB2 c.397A>G at the cDNA level, p.Ser133Gly (S133G) at the protein level, and results in the change of a Serine to a Glycine (AGT>GGT). This variant has not, to our knowledge, been published in the literature as pathogenic or benign. PALB2 Ser133Gly was not observed in approximately 6,500 individuals of European and African American ancestry in the NHLBI Exome Sequencing Project, indicating it is not a common benign variant in these populations. Since Serine and Glycine differ in polarity, charge, size or other properties, this is considered a non-conservative amino acid substitution. PALB2 Ser133Gly occurs at a position that is poorly conserved across species and is located in the DNA-binding region and region of interaction with BRCA1 and RAD51 (UniProt). In silico analyses predict that this variant is unlikely to alter protein structure or function. Based on currently available information, it is unclear whether PALB2 Ser133Gly is pathogenic or benign. We consider it to be a variant of uncertain significance.

NM_024675.4(PALB2):c.397A>G (p.Ser133Gly)

Gene: PALB2 (partner and localizer of BRCA2; minus strand). Cytogenetic location: 16p12.2.
Variant type: single nucleotide variant.
Coding change: c.397A>G on transcript NM_024675.4 (MANE Select); coding-DNA position 397, A replaced by G.
Protein change: p.Ser133Gly; replaces serine 133 with glycine.
Molecular consequence: missense variant.
Genome position (GRCh38, 1-based): chr16:23,636,149, T>C on the plus strand (A>G on the coding strand, the complement: PALB2 is on the minus strand). VCF-style: chr16-23636149-T-C. GRCh37 (hg19) VCF-style: chr16-23647470-T-C.
Other names: p.S133G:AGT>GGT; short protein forms S133G.
Identifiers: ClinVar variation 182759 (VCV000182759.18), dbSNP rs730881881, ClinGen allele CA299704.